The following is an entry in ClinVar:

ClinVar aggregate classification (germline): Conflicting classifications of pathogenicity. Review status: criteria provided, conflicting classifications (1 of 4 stars). 3 submissions from 3 submitters: Uncertain significance (1); Likely benign (2). Last evaluated 2024-10-11.

Conditions:
Hereditary hemochromatosis (HFE). Identifiers: MedGen C0392514, MONDO:0006507. Disease mechanism: loss of function.

Allele frequency attached by ClinVar (database versions not stated): ESP Exome Variant Server 0.00008; gnomAD 0.00009; gnomAD exomes 0.00009; TOPMed 0.00009; ExAC 0.00011.

Submissions (3):

Blueprint Genetics
Classification: Likely benign. Last evaluated: 2024-10-11. Review status: criteria provided, single submitter. Criteria: ACMG Guidelines, 2015. Collection method: clinical testing. Allele origin: germline.

CeGaT Center for Human Genetics Tuebingen
Classification: Likely benign. Last evaluated: 2024-02-01. Review status: criteria provided, single submitter. Criteria: CeGaT Center For Human Genetics Tuebingen Variant Classification Criteria Version 2. Collection method: clinical testing. Allele origin: germline. Affected: yes. Observed: 2 variant alleles.
Comment: HFE: BP4

Labcorp Genetics (formerly Invitae), Labcorp
Classification: Uncertain significance for Hereditary hemochromatosis. Last evaluated: 2018-08-30. Review status: criteria provided, single submitter. Criteria: Invitae Variant Classification Sherloc (09022015). Collection method: clinical testing. Allele origin: germline.
Comment: This sequence change falls in intron 3 of the HFE gene. It does not directly change the encoded amino acid sequence of the HFE protein, but it affects a nucleotide within the consensus splice site of the intron. This variant is present in population databases (rs202027115, ExAC 0.03%). This variant has not been reported in the literature in individuals with HFE-related disease. ClinVar contains an entry for this variant (Variation ID:¬†530398). Nucleotide substitutions within the consensus splice site are a relatively common cause of aberrant splicing (PMID: 17576681, 9536098). Algorithms developed to predict the effect of sequence changes on RNA splicing suggest that this variant is not likely to affect RNA splicing, but this prediction has not been confirmed by published transcriptional studies. In summary, the available evidence is currently insufficient to determine the role of this variant in disease. Therefore, it has been classified as a Variant of Uncertain Significance.

Literature cited by the submitters: PubMed 17576681 (cited by Labcorp Genetics (formerly Invitae), Labcorp); PubMed 9536098 (cited by Labcorp Genetics (formerly Invitae), Labcorp).

NM_000410.4(HFE):c.616+6G>A

Gene: HFE (homeostatic iron regulator; plus strand). Cytogenetic location: 6p22.2.
Variant type: single nucleotide variant.
Coding change: c.616+6G>A on transcript NM_000410.4 (MANE Select); 6 bases into the intron after coding-DNA position 616, G replaced by A.
Molecular consequence: intron variant.
Genome position (GRCh38, 1-based): chr6:26,091,595, G>A. VCF-style: chr6-26091595-G-A. GRCh37 (hg19) VCF-style: chr6-26091823-G-A.
Other names: c.616+6G>A (NM_001406751.1, NM_001384164.1, NM_001300749.3 and 1 more transcripts); c.340+491G>A (NM_139004.3, NM_139003.3); c.547+6G>A (NM_139009.3); c.352+6G>A (NM_139007.3, NM_001406752.1, NM_139008.3); c.77-1090G>A (NM_139010.3); c.77-1524G>A (NM_139011.3).
Identifiers: ClinVar variation 530398 (VCV000530398.33), dbSNP rs202027115, ClinGen allele CA3666677.
Genomic context (GRCh38, chr6:26,091,595, plus strand): 5'-CCTGCACAGCTGCAGCAGTTGCTGGAGCTGGGGAGAGGTGTTTTGGACCAACAAGGTATG[G>A]TGGAAACACACTTCTGCCCCTATACTCTAGTGGCAGAGTGGAGGAGGTTGCAGGGCACGG-3'